The following is an entry in ClinVar:

NM_020297.4(ABCC9):c.4040G>A (p.Arg1347His)

Genes: ABCC9 (ATP binding cassette subfamily C member 9; minus strand), KCNJ8-AS1 (KCNJ8 antisense RNA 1; plus strand). Cytogenetic location: 12p12.1.
Variant type: single nucleotide variant.
Coding change: c.4040G>A on transcript NM_020297.4 (MANE Select); coding-DNA position 4040, G replaced by A.
Protein change: p.Arg1347His; replaces arginine 1347 with histidine.
Molecular consequence: missense variant.
Genome position (GRCh38, 1-based): chr12:21,814,706, C>T on the plus strand (G>A on the coding strand, the complement: ABCC9 is on the minus strand). VCF-style: chr12-21814706-C-T. GRCh37 (hg19) VCF-style: chr12-21967640-C-T.
Other names: c.4040G>A, p.Arg1347His (NM_001377273.1, NM_005691.4); c.3173G>A, p.Arg1058His (NM_001377274.1); short protein forms R1058H, R1347H.
Identifiers: ClinVar variation 5008755 (VCV005008755.1).

ClinVar aggregate classification (germline): Uncertain significance (1 of 4 stars; one submission).

gnomAD v4.1: 1 of 1,613,826 alleles (0.000062%); highest among the groups gnomAD compares: Middle Eastern, 0.017%; no homozygotes.

Submission:

GeneDx
Classification: Uncertain significance. Last evaluated: 2026-03-07. Review status: criteria provided, single submitter. Criteria: GeneDx Variant Classification Process June 2021. Collection method: clinical testing. Allele origin: germline.
Comment: Not observed at significant frequency in large population cohorts (gnomAD); In silico analysis supports that this missense variant has a deleterious effect on protein structure/function; Has not been previously published as pathogenic or benign to our knowledge